The following is an entry in ClinVar:

ClinVar aggregate classification (germline): Conflicting classifications of pathogenicity. Review status: criteria provided, conflicting classifications (1 of 4 stars). 5 submissions from 5 submitters: Uncertain significance (3); Likely benign (2). Last evaluated 2026-08-04.

Conditions:
TTN-related disorder. Also called: TTN-related condition; TTN-related disease; TTN-related disorders.
Cardiovascular phenotype. Identifiers: MedGen CN230736.
Dilated cardiomyopathy 1G (CMD1G). Identifiers: Orphanet 154, MedGen C1858763, MONDO:0011400, OMIM 604145.
Autosomal recessive limb-girdle muscular dystrophy type 2J (LGMDR10). Also called: Limb-girdle muscular dystrophy, type 2J; MUSCULAR DYSTROPHY, LIMB-GIRDLE, AUTOSOMAL RECESSIVE 10. Identifiers: Orphanet 140922, MedGen C1837342, MONDO:0012127, OMIM 608807.

Allele frequency attached by ClinVar (database versions not stated): ExAC 0.00002; gnomAD exomes 0.00002 and 0.00004; gnomAD 0.00004; TOPMed 0.00006.
gnomAD v4.1: 69 of 1,612,580 alleles (0.0043%); highest among the groups gnomAD compares: Non-Finnish European, 0.0054%; no homozygotes.

Submissions (5):

PreventionGenetics, part of Exact Sciences
Classification: Uncertain significance for TTN-related condition. Last evaluated: 2026-08-04. Review status: criteria provided, single submitter. Criteria: ACMG Guidelines, 2015. Collection method: clinical testing. Allele origin: germline.
Comment: The TTN c.69045G>A variant is not predicted to result in an amino acid change (p.=). This variant is predicted to alter splicing based on available splicing prediction programs (SpliceAI, Jaganathan et al. 2019. PubMed ID: 30661751). However, the use of computer prediction programs is not equivalent to functional evidence. To our knowledge, this variant has not been reported in the literature. This variant is reported in 0.0041% of alleles in individuals of African descent in gnomAD. At this time, the clinical significance of this variant is uncertain due to the absence of conclusive functional and genetic evidence.

Labcorp Genetics (formerly Invitae), Labcorp
Classification: Likely benign for Dilated cardiomyopathy 1G; Autosomal recessive limb-girdle muscular dystrophy type 2J. Last evaluated: 2026-01-31. Review status: criteria provided, single submitter. Criteria: Invitae Variant Classification Sherloc (09022015). Collection method: clinical testing. Allele origin: germline.

Ambry Genetics
Classification: Uncertain significance for Cardiovascular phenotype. Last evaluated: 2025-12-08. Review status: criteria provided, single submitter. Criteria: Ambry Variant Classification Scheme 2023. Collection method: clinical testing. Allele origin: germline.
Comment: The c.41850G>A variant (also known as p.A13950A), located in coding exon 151 of the TTN gene, results from a G to A substitution at nucleotide position 41850. This nucleotide substitution does not change the alanine at codon 13950. This nucleotide position is poorly conserved in available vertebrate species. In silico splice site analysis predicts that this alteration may result in the creation or strengthening of a novel splice donor site. Based on the available evidence, the clinical significance of this variant remains unclear.

Blueprint Genetics
Classification: Likely benign. Last evaluated: 2024-10-18. Review status: criteria provided, single submitter. Criteria: ACMG Guidelines, 2015. Collection method: clinical testing. Allele origin: germline.

Eurofins Ntd Llc (ga)
Classification: Uncertain significance. Last evaluated: 2016-06-09. Review status: criteria provided, single submitter. Criteria: EGL Classification Definitions 2015. Collection method: clinical testing. Allele origin: germline. Observed: 1 variant allele, 1 heterozygote.

NM_001267550.2(TTN):c.69045G>A (p.Ala23015=)

Genes: TTN (titin; minus strand), TTN-AS1 (TTN antisense RNA 1; plus strand). Cytogenetic location: 2q31.2.
Variant type: single nucleotide variant.
Coding change: c.69045G>A on transcript NM_001267550.2 (MANE Select); coding-DNA position 69045, G replaced by A.
Protein change: p.Ala23015=; no amino-acid change (alanine 23015 retained).
Molecular consequence: synonymous variant.
Genome position (GRCh38, 1-based): chr2:178,577,290, C>T on the plus strand (G>A on the coding strand, the complement: TTN is on the minus strand). VCF-style: chr2-178577290-C-T. GRCh37 (hg19) VCF-style: chr2-179442017-C-T.
Other names: c.64122G>A, p.Ala21374= (NM_001256850.1); c.41850G>A, p.Ala13950= (NM_003319.4); c.61341G>A, p.Ala20447= (NM_133378.4); c.42225G>A, p.Ala14075= (NM_133432.3); c.42426G>A, p.Ala14142= (NM_133437.4).
Identifiers: ClinVar variation 287679 (VCV000287679.17), dbSNP rs759122929, ClinGen allele CA1990998.
Genomic context (GRCh38, chr2:178,577,290, plus strand): 5'-TACCTTCACATGTTCCACCTTCGTGCCAAAAGGATTGGTAGCAGTGATGGTATATTCACC[C>T]GCATCTTTTCTAGTGGCATACTTGATAGTAAGCATGGAAGATGTTGGGGTTGAAGTTATC-3'
Protein context (NP_001254479.2, residues 23005-23025): LTIKYATRKD[Ala23015=]GEYTITATNP